The following is an entry in ClinVar:

NM_212482.4(FN1):c.3860G>A (p.Trp1287Ter)

Gene: FN1 (fibronectin 1; minus strand). Cytogenetic location: 2q35.
Variant type: single nucleotide variant.
Coding change: c.3860G>A on transcript NM_212482.4 (MANE Select); coding-DNA position 3860, G replaced by A.
Protein change: p.Trp1287Ter; replaces tryptophan 1287 with a stop codon.
Molecular consequence: nonsense. On other transcripts: intron variant (10).
Genome position (GRCh38, 1-based): chr2:215,393,140, C>T on the plus strand (G>A on the coding strand, the complement: FN1 is on the minus strand). VCF-style: chr2-215393140-C-T. GRCh37 (hg19) VCF-style: chr2-216257863-C-T.
Other names: c.3860G>A, p.Trp1287Ter (NM_001306129.2, NM_001306130.2, NM_001365517.2 and 3 more transcripts); c.3797-1326G>A (NM_212474.3, NM_001306132.2, NM_001365523.2 and 7 more transcripts); short protein forms W1287*.
Identifiers: ClinVar variation 1913464 (VCV001913464.5), dbSNP rs2469782914, ClinGen allele CA350485361.

ClinVar aggregate classification (germline): Uncertain significance (1 of 4 stars; one submission).

Allele frequency attached by ClinVar (database versions not stated): gnomAD exomes below 0.00001.
gnomAD v4.1: 1 of 1,613,954 alleles (0.000062%); highest among the groups gnomAD compares: Non-Finnish European, 0.000085%; no homozygotes.

Submission:

Labcorp Genetics (formerly Invitae), Labcorp
Classification: Uncertain significance. Last evaluated: 2022-03-12. Review status: criteria provided, single submitter. Criteria: Invitae Variant Classification Sherloc (09022015). Collection method: clinical testing. Allele origin: germline.
Comment: This variant has not been reported in the literature in individuals affected with FN1-related conditions. In summary, the available evidence is currently insufficient to determine the role of this variant in disease. Therefore, it has been classified as a Variant of Uncertain Significance. Algorithms developed to predict the effect of sequence changes on RNA splicing suggest that this variant may disrupt the consensus splice site. This variant is not present in population databases (gnomAD no frequency). This sequence change creates a premature translational stop signal (p.Trp1287*) in the FN1 gene. It is expected to result in an absent or disrupted protein product. However, the current clinical and genetic evidence is not sufficient to establish whether loss-of-function variants in FN1 cause disease.